The following is an entry in ClinVar:

NM_001374259.2(IL12RB2):c.310G>A (p.Ala104Thr)

Gene: IL12RB2 (interleukin 12 receptor subunit beta 2; plus strand). Cytogenetic location: 1p31.3.
Variant type: single nucleotide variant.
Coding change: c.310G>A on transcript NM_001374259.2 (MANE Select); coding-DNA position 310, G replaced by A.
Protein change: p.Ala104Thr; replaces alanine 104 with threonine.
Molecular consequence: missense variant. On other transcripts: non-coding transcript variant (2).
Genome position (GRCh38, 1-based): chr1:67,321,835, G>A. VCF-style: chr1-67321835-G-A. GRCh37 (hg19) VCF-style: chr1-67787518-G-A.
Other names: c.310G>A, p.Ala104Thr (NM_001258214.1, NM_001258215.1, NM_001258216.1 and 2 more transcripts); short protein forms A104T.
Identifiers: ClinVar variation 4765930 (VCV004765930.1).

ClinVar aggregate classification (germline): Uncertain significance (1 of 4 stars; one submission).

gnomAD v4.1: 17 of 1,613,646 alleles (0.0011%); highest among the groups gnomAD compares: Middle Eastern, 0.016%; no homozygotes.

Submission:

Labcorp Genetics (formerly Invitae), Labcorp
Classification: Uncertain significance. Last evaluated: 2025-07-03. Review status: criteria provided, single submitter. Criteria: Invitae Variant Classification Sherloc (09022015). Collection method: clinical testing. Allele origin: germline.
Comment: This sequence change replaces alanine, which is neutral and non-polar, with threonine, which is neutral and polar, at codon 104 of the IL12RB2 protein (p.Ala104Thr). This variant is present in population databases (rs200302484, gnomAD 0.02%). This variant has not been reported in the literature in individuals affected with IL12RB2-related conditions. An algorithm developed to predict the effect of missense changes on protein structure and function (PolyPhen-2) suggests that this variant is likely to be tolerated. In summary, the available evidence is currently insufficient to determine the role of this variant in disease. Therefore, it has been classified as a Variant of Uncertain Significance.